The following is an entry in ClinVar:

ClinVar aggregate classification (germline): Uncertain significance (1 of 4 stars; one submission).

Submission:

GeneDx
Classification: Uncertain significance. Last evaluated: 2022-02-01. Review status: criteria provided, single submitter. Criteria: GeneDx Variant Classification Process June 2021. Collection method: clinical testing. Allele origin: germline. Affected: yes.
Comment: Not observed at significant frequency in large population cohorts (gnomAD); In silico analysis supports that this missense variant does not alter protein structure/function; Has not been previously published as pathogenic or benign to our knowledge

NM_006766.5(KAT6A):c.304C>G (p.Leu102Val)

Gene: KAT6A (lysine acetyltransferase 6A; minus strand). Cytogenetic location: 8p11.21.
Variant type: single nucleotide variant.
Coding change: c.304C>G on transcript NM_006766.5 (MANE Select); coding-DNA position 304, C replaced by G.
Protein change: p.Leu102Val; replaces leucine 102 with valine.
Molecular consequence: missense variant.
Genome position (GRCh38, 1-based): chr8:42,048,674, G>C on the plus strand (C>G on the coding strand, the complement: KAT6A is on the minus strand). VCF-style: chr8-42048674-G-C. GRCh37 (hg19) VCF-style: chr8-41906192-G-C.
Other names: c.304C>G, p.Leu102Val (NM_001305878.2); short protein forms L102V.
Identifiers: ClinVar variation 1699885 (VCV001699885.2), dbSNP rs1164383666, ClinGen allele CA371174953.